The following is an entry in ClinVar:

ClinVar aggregate classification (germline): Uncertain significance (1 of 4 stars; one submission).

Conditions:
Duchenne muscular dystrophy (DMD). Also called: Duchenne Muscular Dystrophy (DMD); MUSCULAR DYSTROPHY, PSEUDOHYPERTROPHIC PROGRESSIVE, DUCHENNE TYPE. Identifiers: Orphanet 98896, MedGen C0013264, MONDO:0010679, OMIM 310200.

Allele frequency attached by ClinVar (database versions not stated): TOPMed below 0.00001.

Submission:

Labcorp Genetics (formerly Invitae), Labcorp
Classification: Uncertain significance for Duchenne muscular dystrophy. Last evaluated: 2026-01-12. Review status: criteria provided, single submitter. Criteria: Invitae Variant Classification Sherloc (09022015). Collection method: clinical testing. Allele origin: germline.
Comment: This sequence change replaces threonine, which is neutral and polar, with serine, which is neutral and polar, at codon 2913 of the DMD protein (p.Thr2913Ser). This variant is not present in population databases (gnomAD no frequency). This variant has not been reported in the literature in individuals affected with DMD-related conditions. ClinVar contains an entry for this variant (Variation ID: 1486729). Invitae Evidence Modeling of protein sequence and biophysical properties (such as structural, functional, and spatial information, amino acid conservation, physicochemical variation, residue mobility, and thermodynamic stability) indicates that this missense variant is not expected to disrupt DMD protein function with a negative predictive value of 95%. In summary, the available evidence is currently insufficient to determine the role of this variant in disease. Therefore, it has been classified as a Variant of Uncertain Significance.

NM_004006.3(DMD):c.8738C>G (p.Thr2913Ser)

Gene: DMD (dystrophin; minus strand). Cytogenetic location: Xp21.2.
Variant type: single nucleotide variant.
Coding change: c.8738C>G on transcript NM_004006.3 (MANE Select); coding-DNA position 8738, C replaced by G.
Protein change: p.Thr2913Ser; replaces threonine 2913 with serine.
Molecular consequence: missense variant.
Genome position (GRCh38, 1-based): chrX:31,478,305, G>C on the plus strand (C>G on the coding strand, the complement: DMD is on the minus strand). VCF-style: chrX-31478305-G-C. GRCh37 (hg19) VCF-style: chrX-31496422-G-C.
Other names: c.8714C>G, p.Thr2905Ser (NM_000109.4); c.8726C>G, p.Thr2909Ser (NM_004009.3); c.8369C>G, p.Thr2790Ser (NM_004010.3); c.4715C>G, p.Thr1572Ser (NM_004011.4); c.4706C>G, p.Thr1569Ser (NM_004012.4); c.1358C>G, p.Thr453Ser (NM_004013.3, NM_004020.4, NM_004021.3 and 2 more transcripts); c.551C>G, p.Thr184Ser (NM_004014.3); short protein forms T1569S, T2905S, T1572S, T2913S, T184S, T2909S, T453S, T2790S.
Identifiers: ClinVar variation 1486729 (VCV001486729.6), dbSNP rs919154221, ClinGen allele CA328434454.